The following is an entry in ClinVar:

NM_018418.5(SPATA7):c.1082+3A>G

Gene: SPATA7 (spermatogenesis associated 7; plus strand). Cytogenetic location: 14q31.3.
Variant type: single nucleotide variant.
Coding change: c.1082+3A>G on transcript NM_018418.5 (MANE Select); 3 bases into the intron after coding-DNA position 1082, A replaced by G.
Molecular consequence: intron variant.
Genome position (GRCh38, 1-based): chr14:88,431,228, A>G. VCF-style: chr14-88431228-A-G. GRCh37 (hg19) VCF-style: chr14-88897572-A-G.
Other names: c.986+3A>G (NM_001040428.4).
Identifiers: ClinVar variation 1441790 (VCV001441790.6), dbSNP rs2140009484, ClinGen allele CA2573150217.
Genomic context (GRCh38, chr14:88,431,228, plus strand): 5'-CTAGGGCAATGTGTCAGTATTCCCTGAAGCCCCCTTCAACTCGTAAAATCTACTCTGAGT[A>G]AGATCTTTTTTAAGTCTTCGTTTTGCATAGTGGAATCAAGGATTAAGAATCAAAGAAACC-3'

ClinVar aggregate classification (germline): Uncertain significance (1 of 4 stars; one submission).

Conditions:
Leber congenital amaurosis 3 (LCA3). Also called: SPATA7-Related Retinitis Pigmentosa. Identifiers: MedGen C1858677, MONDO:0011415, OMIM 604232.

Submission:

Labcorp Genetics (formerly Invitae), Labcorp
Classification: Uncertain significance for Leber congenital amaurosis 3. Last evaluated: 2025-03-17. Review status: criteria provided, single submitter. Criteria: Invitae Variant Classification Sherloc (09022015). Collection method: clinical testing. Allele origin: germline.
Comment: This sequence change falls in intron 9 of the SPATA7 gene. It does not directly change the encoded amino acid sequence of the SPATA7 protein. It affects a nucleotide within the consensus splice site. This variant is not present in population databases (gnomAD no frequency). This variant has not been reported in the literature in individuals affected with SPATA7-related conditions. ClinVar contains an entry for this variant (Variation ID: 1441790). Variants that disrupt the consensus splice site are a relatively common cause of aberrant splicing (PMID: 17576681, 9536098). Algorithms developed to predict the effect of sequence changes on RNA splicing suggest that this variant may disrupt the consensus splice site. In summary, the available evidence is currently insufficient to determine the role of this variant in disease. Therefore, it has been classified as a Variant of Uncertain Significance.

Literature cited by the submitters: PubMed 17576681; PubMed 9536098.